The following is an entry in ClinVar:

ClinVar aggregate classification (germline): Likely pathogenic (0 of 4 stars; one submission).

Conditions:
Dystonia 34, myoclonic (DYT34). Identifiers: MedGen C5676907, MONDO:0030538, OMIM 619724.

Submission:

Department of Developmental Neurology, Medical University of Gdansk
Classification: Likely pathogenic for Dystonia 34, myoclonic. Last evaluated: 2026-03-09. Review status: no assertion criteria provided. Collection method: clinical testing. Allele origin: maternal. Inheritance: Autosomal dominant inheritance. Affected: yes. Observed: 1 variant allele, 1 heterozygote.
Comment: The canonical splice-site variant c.1780-2A>G is predicted to result in the loss of an acceptor splice site of exon 5 (NM_021614.4) of KCNN2 and is classified as likely pathogenic. Another canonical splice-site variant of KCNN2 exon 5, affecting the donor splice site (c.1890+2T>C), is reported as likely pathogenic (2 independent submitters, variation ID: 933148, accession: VCV000933148.2).

NM_021614.4(KCNN2):c.1780-2A>G

Genes: KCNN2 (potassium calcium-activated channel subfamily N member 2; plus strand), KCNN2-AS1 (KCNN2 antisense RNA 1; minus strand). Cytogenetic location: 5q22.3.
Variant type: single nucleotide variant.
Coding change: c.1780-2A>G on transcript NM_021614.4 (MANE Select); the canonical splice acceptor site of the intron before coding-DNA position 1780, A replaced by G.
Molecular consequence: splice acceptor variant.
Genome position (GRCh38, 1-based): chr5:114,473,052, A>G. VCF-style: chr5-114473052-A-G. GRCh37 (hg19) VCF-style: chr5-113808749-A-G.
Other names: c.1978-2A>G (NM_001372233.1); c.100-2A>G (NM_170775.3).
Identifiers: ClinVar variation 4814029 (VCV004814029.1).